The following is an entry in ClinVar:

ClinVar aggregate classification (germline): Pathogenic/Likely pathogenic. Review status: criteria provided, multiple submitters, no conflicts (2 of 4 stars). 3 submissions from 3 submitters: Pathogenic (2); Likely pathogenic (1). Last evaluated 2025-05-08.

Conditions:
Hereditary factor IX deficiency disease (HEMB). Also called: Christmas Disease; F9 DEFICIENCY; FACTOR IX DEFICIENCY; PLASMA THROMBOPLASTIN COMPONENT DEFICIENCY; Hemophilia B. Identifiers: Orphanet 98879, MedGen C0008533, MeSH D002836, MONDO:0010604, OMIM 306900.

Allele frequency attached by ClinVar (database versions not stated): TOPMed 0.00001.

Submissions (3):

Myriad Genetics, Inc.
Classification: Likely pathogenic for Hereditary factor IX deficiency disease. Last evaluated: 2025-05-08. Review status: criteria provided, single submitter. Criteria: Myriad Autosomal Dominant, Autosomal Recessive and X-Linked Classification Criteria (2023). Collection method: clinical testing. Allele origin: unknown.
Comment: NM_000133.3(F9):c.416G>A(G139D) is a missense variant classified as likely pathogenic in the context of hemophilia B. G139D has been observed in cases with relevant disease (PMID: 1357229, 8680410, 17014892, 22639855, 22544209, 27292088, 29296726). Relevant functional assessments of this variant are not available in the literature. G139D has not been observed in referenced population frequency databases. In summary, NM_000133.3(F9):c.416G>A(G139D) is a missense variant that has been observed more frequently in cases with the relevant disease than in healthy populations. Please note: this variant was assessed in the context of healthy population screening.

Women's Health and Genetics/Laboratory Corporation of America, LabCorp
Classification: Pathogenic for Hereditary factor IX deficiency disease. Last evaluated: 2024-05-08. Review status: criteria provided, single submitter. Criteria: LabCorp Variant Classification Summary - May 2015. Collection method: clinical testing. Allele origin: germline.
Comment: Variant summary: F9 c.416G>A (p.Gly139Asp) results in a non-conservative amino acid change located in the EGF like domain of the encoded protein sequence. Five of five in-silico tools predict a damaging effect of the variant on protein function. The variant was absent in 183210 control chromosomes. c.416G>A has been reported in the literature in multiple individuals affected with Factor IX Deficiency (Hemophilia B) (examples:Wulff_1995, Yu_2012, HamasakiKatagiri_2012). These data indicate that the variant is very likely to be associated with disease. The following publications have been ascertained in the context of this evaluation (PMID: 28193338, 8680410, 22639855). ClinVar contains an entry for this variant (Variation ID: 810876). Based on the evidence outlined above, the variant was classified as pathogenic.

ARUP Laboratories, Molecular Genetics and Genomics, ARUP Laboratories
Classification: Pathogenic. Last evaluated: 2018-12-23. Review status: criteria provided, single submitter. Criteria: ARUP Molecular Germline Variant Investigation Process. Collection method: clinical testing. Allele origin: germline.
Comment: The F9 c.416G>A; p.Gly139Asp variant, also known as p.Gly93Asp in traditional nomenclature, is reported in the literature in individuals affected with moderate to severe hemophilia B (Nielsen 1992, Wulff 1995, Yu 2012, Factor IX database). This variant is absent from general population databases (Exome Variant Server, Genome Aggregation Database), indicating it is not a common polymorphism. The glycine at codon 139 is highly conserved, and computational analyses (SIFT, PolyPhen-2) predict that this variant is deleterious. Additionally, another variant at this codon (p.Gly139Ser) has been reported in individuals with moderate to severe hemophilia B and is considered pathogenic (Balraj 2012, Factor IX database). Based on available information, the p.Gly139Asp variant is considered to be pathogenic. References: Factor IX database: Balraj P et al. Factor IX mutations in haemophilia B patients in Malaysia: a preliminary study. Malays J Pathol. 2012 Jun;34(1):67-9. Nielsen LR et al. Screening for mutations in the gene encoding factor IX. J Inherit Metab Dis. 1992;15(3):339-41. Wulff K et al. Twenty-five novel mutations of the factor IX gene in haemophilia B. Hum Mutat. 1995;6(4):346-8. Yu T et al. Spectrum of F9 mutations in Chinese haemophilia B patients: identification of 20 novel mutations. Pathology. 2012 Jun;44(4):342-7.

Literature cited by the submitters: PubMed 1357229 (cited by Myriad Genetics, Inc.); PubMed 17014892 (cited by Myriad Genetics, Inc.); PubMed 22544209 (cited by Myriad Genetics, Inc.); PubMed 22639855 (cited by Myriad Genetics, Inc. and Women's Health and Genetics/Laboratory Corporation of America, LabCorp); PubMed 27292088 (cited by Myriad Genetics, Inc.); PubMed 29296726 (cited by Myriad Genetics, Inc.); PubMed 8680410 (cited by Myriad Genetics, Inc. and Women's Health and Genetics/Laboratory Corporation of America, LabCorp); PubMed 28193338 (cited by Women's Health and Genetics/Laboratory Corporation of America, LabCorp).

NM_000133.4(F9):c.416G>A (p.Gly139Asp)

Gene: F9 (coagulation factor IX; plus strand). Cytogenetic location: Xq27.1.
Variant type: single nucleotide variant.
Coding change: c.416G>A on transcript NM_000133.4 (MANE Select); coding-DNA position 416, G replaced by A.
Protein change: p.Gly139Asp; replaces glycine 139 with aspartic acid.
Molecular consequence: missense variant.
Genome position (GRCh38, 1-based): chrX:139,548,387, G>A. VCF-style: chrX-139548387-G-A. GRCh37 (hg19) VCF-style: chrX-138630546-G-A.
Other names: c.302G>A, p.Gly101Asp (NM_001313913.2); short protein forms G101D, G139D.
Identifiers: ClinVar variation 810876 (VCV000810876.10), dbSNP rs1216516070, ClinGen allele CA414438867.